The following is an entry in ClinVar:

NM_000383.4(AIRE):c.790G>A (p.Ala264Thr)

Gene: AIRE (autoimmune regulator; plus strand). Cytogenetic location: 21q22.3.
Variant type: single nucleotide variant.
Coding change: c.790G>A on transcript NM_000383.4 (MANE Select); coding-DNA position 790, G replaced by A.
Protein change: p.Ala264Thr; replaces alanine 264 with threonine.
Molecular consequence: missense variant.
Genome position (GRCh38, 1-based): chr21:44,289,794, G>A. VCF-style: chr21-44289794-G-A. GRCh37 (hg19) VCF-style: chr21-45709677-G-A.
Other names: short protein forms A264T.
Identifiers: ClinVar variation 1412994 (VCV001412994.5), dbSNP rs746154390, ClinGen allele CA10051706.

ClinVar aggregate classification (germline): Uncertain significance (1 of 4 stars; one submission).

Conditions:
Polyglandular autoimmune syndrome, type 1 (APS1). Also called: PGA I; APS I; Autoimmune polyendocrine syndrome type 1; Autoimmune polyendocrinopathy syndrome, type I; Autoimmune polyendocrinopathy syndrome , type I, with or without reversible metaphyseal dysplasia; AUTOIMMUNE POLYENDOCRINE SYNDROME, TYPE I, WITH OR WITHOUT REVERSIBLE METAPHYSEAL DYSPLASIA. Identifiers: Orphanet 3453, MedGen C0085859, MONDO:0009411, OMIM 240300.

Allele frequency attached by ClinVar (database versions not stated): gnomAD exomes 0.00001; ExAC 0.00002; gnomAD 0.00002; TOPMed 0.00003.
gnomAD v4.1: 18 of 1,612,470 alleles (0.0011%); highest among the groups gnomAD compares: South Asian, 0.0066%; no homozygotes.

Submission:

Labcorp Genetics (formerly Invitae), Labcorp
Classification: Uncertain significance for Polyglandular autoimmune syndrome, type 1. Last evaluated: 2021-09-01. Review status: criteria provided, single submitter. Criteria: Invitae Variant Classification Sherloc (09022015). Collection method: clinical testing. Allele origin: germline.
Comment: This sequence change replaces alanine with threonine at codon 264 of the AIRE protein (p.Ala264Thr). The alanine residue is weakly conserved and there is a small physicochemical difference between alanine and threonine. This variant is present in population databases (rs746154390, ExAC 0.009%). This variant has not been reported in the literature in individuals affected with AIRE-related conditions. Algorithms developed to predict the effect of missense changes on protein structure and function output the following: SIFT: "Tolerated"; PolyPhen-2: "Benign"; Align-GVGD: "Class C0". The threonine amino acid residue is found in multiple mammalian species, which suggests that this missense change does not adversely affect protein function. In summary, the available evidence is currently insufficient to determine the role of this variant in disease. Therefore, it has been classified as a Variant of Uncertain Significance.